The following is an entry in ClinVar:

ClinVar aggregate classification (germline): Pathogenic. Review status: reviewed by expert panel (3 of 4 stars). 2 submissions from 2 submitters: Pathogenic (1). 1 of the submissions does not count toward it. Last evaluated 2026-01-25.

Conditions:
RPGR-related retinopathy. Also called: RPGR retinopathy. Identifiers: MedGen CN305589, MONDO:0100437.
Retinitis pigmentosa (RP). Identifiers: Orphanet 791, MedGen C0035334, MeSH D012174, MONDO:0019200, OMIM 268000. Inheritance: Autosomal dominant, autosomal recessive and X linked inheritance.

Submissions (2):

ClinGen X-linked Inherited Retinal Disease Variant Curation Expert Panel, ClinGen
Classification: Pathogenic for RPGR-related retinopathy. Last evaluated: 2026-01-25. Review status: reviewed by expert panel. Criteria: ClinGen X LinkedIRD ACMG Specifications RPGR V1.0.0. Collection method: curation. Allele origin: germline. Inheritance: X-linked inheritance.
Comment: NM_001034853.2(RPGR):c.1572+3A>T is a non-coding variant in intron 13 that is located outside the +/- 1,2 dinucleotide. The splicing impact predictor SpliceAI gives delta scores of 0.84 for donor gain and 0.60 for donor loss, which are above the ClinGen X-linked IRD VCEP recommended threshold of ≥0.2 and predict a damaging impact on splicing. A minigene assay reveals variant-induced aberrant splicing from the minigene harboring the variant, with no wild-type transcripts produced (PMID: 28714225). These findings have not been applied to PP3 or PS3_Supporting, but rather combined as evidence of a null impact on RPGR (PVS1). This variant is absent from gnomAD v4.1.0 (PM2_Supporting). At least one proband harboring this variant exhibits a phenotype including a family history consistent with X-linked inheritance (2 pts) with less severe presentation in females (1 pt), early onset ((1 pt), poor vision (0.5 pts), night blindness (0.5 pt), visual field constriction (0.5 pts), and flat electroretinogram responses, with genotyping by next-generation sequencing identifying no alternative basis for retinal disease (2 pts), which together are specific for RPGR-related retinopathy (7.5 points, PMID: 28714225, PP4). The variant has been reported to segregate with retinal dystrophy through an affected mother and son (PP1; PMID: 28714225). In summary, this variant is classified as pathogenic for RPGR-related retinopathy based on the ClinGen X-linked Inherited Retinal Disease Expert Panel Specifications to the ACMG/AMP Variant Interpretation Guidelines for RPGR Version 1.0.0; PVS1, PM2_Supporting, PP4, and PP1.

Rui Chen Lab, Baylor College of Medicine
Classification: Pathogenic for Retinitis pigmentosa. Last evaluated: 2017-05-09. Review status: no assertion criteria provided. Collection method: research. Allele origin: germline. Affected: yes. Not counted in ClinVar's aggregate classification.
Comment: An in vitrominigene system was used to confirm that the variant disrupts splicing

NM_001034853.2(RPGR):c.1572+3A>T

Gene: RPGR (retinitis pigmentosa GTPase regulator; minus strand). Cytogenetic location: Xp11.4.
Variant type: single nucleotide variant.
Coding change: c.1572+3A>T on transcript NM_001034853.2 (MANE Select); 3 bases into the intron after coding-DNA position 1572, A replaced by T.
Molecular consequence: intron variant.
Genome position (GRCh38, 1-based): chrX:38,290,956, T>A on the plus strand (A>T on the coding strand, the complement: RPGR is on the minus strand). VCF-style: chrX-38290956-T-A. GRCh37 (hg19) VCF-style: chrX-38150209-T-A.
Other names: c.1569+3A>T (NM_001367249.1, NM_001367250.1, NM_001367245.1); c.1386+3A>T (NM_001367251.1, NM_001367246.1); c.1572+3A>T (NM_001367247.1, NM_000328.3); c.1602+3A>T (NM_001367248.1).
Identifiers: ClinVar variation 427866 (VCV000427866.3), dbSNP rs1555962831, ClinGen allele CA658658968.
Genomic context (GRCh38, chrX:38,290,956, plus strand): 5'-ATCCAAAAAATTAACTTAAACTGCTCTCACCAACAATAACGAAAATAAATCTTCATATTA[T>A]ACCTTTTGTTTCTGAACTGGTGATAATTTTAATGACTTTTCATTGGAATTCAGGCTCATG-3'